The following is an entry in ClinVar:

ClinVar aggregate classification (germline): Uncertain significance (1 of 4 stars; one submission).

Submission:

Labcorp Genetics (formerly Invitae), Labcorp
Classification: Uncertain significance. Last evaluated: 2023-12-19. Review status: criteria provided, single submitter. Criteria: Invitae Variant Classification Sherloc (09022015). Collection method: clinical testing. Allele origin: germline.
Comment: This variant, c.4802_4810del, results in the deletion of 3 amino acid(s) of the KMT2E protein (p.Gly1601_His1603del), but otherwise preserves the integrity of the reading frame. This variant is not present in population databases (gnomAD no frequency). This variant has not been reported in the literature in individuals affected with KMT2E-related conditions. Experimental studies and prediction algorithms are not available or were not evaluated, and the functional significance of this variant is currently unknown. In summary, the available evidence is currently insufficient to determine the role of this variant in disease. Therefore, it has been classified as a Variant of Uncertain Significance.

NM_182931.3(KMT2E):c.4802_4810del (p.Gly1601_His1603del)

Gene: KMT2E (lysine methyltransferase 2E (inactive); plus strand). Cytogenetic location: 7q22.3.
Variant type: Deletion.
Coding change: c.4802_4810del on transcript NM_182931.3 (MANE Select); coding-DNA positions 4802 to 4810, 9 bases deleted (GACACCACG; older notation c.4802_4810delGACACCACG).
Protein change: p.Gly1601_His1603del.
Molecular consequence: inframe deletion.
Genome position (GRCh38, 1-based): chr7:105,112,558-105,112,566, GACACCACG deleted; deleting any 9 consecutive bases within chr7:105,112,557-105,112,566 gives the same sequence; the c. name uses the placement nearest the transcript's 3' end. VCF-style (leftmost placement, unchanged base first): chr7-105112556-AGGACACCAC-A. GRCh37 (hg19) VCF-style: chr7-104753003-AGGACACCAC-A.
Other names: c.4676_4684del, p.Gly1559_His1561del (NM_001410908.1); c.4802_4810del, p.Gly1601_His1603del (NM_018682.4).
Identifiers: ClinVar variation 2704091 (VCV002704091.3), dbSNP rs2536526060, ClinGen allele CA2697557493.
Genomic context (GRCh38, chr7:105,112,556, plus strand): 5'-TGTGTTTACATCAGGACCAAATCAAGCACTTCCTGGCACCACAAGCCAGCAAACAGTTCC[AGGACACCAC>A]GTGACTCCAGGGCATTTTTTGCCCTCTCAGAACCCTACCATTCACCATCAAACTGCTGCT-3'